The following is an entry in ClinVar:

ClinVar aggregate classification (germline): Likely benign. Review status: criteria provided, multiple submitters, no conflicts (2 of 4 stars). 3 submissions from 3 submitters: Likely benign (2). 1 of the submissions does not count toward it. Last evaluated 2023-11-21.

Conditions:
CTNND2-related disorder. Also called: CTNND2-related condition.

Allele frequency attached by ClinVar (database versions not stated): gnomAD 0.00003 and 0.00004; gnomAD exomes 0.00005; TOPMed 0.00005; ExAC 0.00006; ESP Exome Variant Server 0.00015.
gnomAD v4.1: 57 of 1,596,202 alleles (0.0036%); highest among the groups gnomAD compares: Middle Eastern, 0.033%; no homozygotes.

Submissions (3):

Blueprint Genetics
Classification: Likely benign. Last evaluated: 2023-11-21. Review status: criteria provided, single submitter. Criteria: ACMG Guidelines, 2015. Collection method: clinical testing. Allele origin: germline.

Labcorp Genetics (formerly Invitae), Labcorp
Classification: Likely benign. Last evaluated: 2019-12-31. Review status: criteria provided, single submitter. Criteria: Invitae Variant Classification Sherloc (09022015). Collection method: clinical testing. Allele origin: germline.

PreventionGenetics, part of Exact Sciences
Classification: Likely benign for CTNND2-related condition. Last evaluated: 2019-06-13. Review status: no assertion criteria provided. Collection method: clinical testing. Allele origin: germline. Not counted in ClinVar's aggregate classification.
Comment: This variant is classified as likely benign based on ACMG/AMP sequence variant interpretation guidelines (Richards et al. 2015 PMID: 25741868, with internal and published modifications).

NM_001332.4(CTNND2):c.3663C>T (p.Pro1221=)

Gene: CTNND2 (catenin delta 2; minus strand). Cytogenetic location: 5p15.2.
Variant type: single nucleotide variant.
Coding change: c.3663C>T on transcript NM_001332.4 (MANE Select); coding-DNA position 3663, C replaced by T.
Protein change: p.Pro1221=; no amino-acid change (proline 1221 retained).
Molecular consequence: synonymous variant. On other transcripts: non-coding transcript variant (1).
Genome position (GRCh38, 1-based): chr5:10,973,468, G>A on the plus strand (C>T on the coding strand, the complement: CTNND2 is on the minus strand). VCF-style: chr5-10973468-G-A. GRCh37 (hg19) VCF-style: chr5-10973580-G-A.
Other names: c.3390C>T, p.Pro1130= (NM_001288715.1); c.2652C>T, p.Pro884= (NM_001288716.1); c.2364C>T, p.Pro788= (NM_001288717.2); c.2727C>T, p.Pro909= (NM_001364128.2).
Identifiers: ClinVar variation 709223 (VCV000709223.7), dbSNP rs377570490, ClinGen allele CA3200219.